The following is an entry in ClinVar:

ClinVar aggregate classification (germline): Pathogenic (1 of 4 stars; one submission).

Conditions:
Ellis-van Creveld syndrome (EVC). Also called: MESOECTODERMAL DYSPLASIA; Chondroectodermal dysplasia. Identifiers: Orphanet 289, MedGen C0013903, MONDO:0009162, OMIM 225500.

Submission:

Myriad Genetics, Inc.
Classification: Pathogenic for Ellis-van Creveld syndrome. Last evaluated: 2024-05-03. Review status: criteria provided, single submitter. Criteria: Myriad Autosomal Dominant, Autosomal Recessive and X-Linked Classification Criteria (2023). Collection method: clinical testing. Allele origin: unknown.
Comment: NM_147127.4(EVC2):c.1087C>T(Q363*) is expected to be pathogenic in the context of EVC2-related Ellis-van Creveld syndrome. This variant is predicted to lead to an abnormal or absent protein product due to the creation of a premature termination codon in EVC2, a gene where loss-of-function variants are known to be pathogenic. Please note: this variant was assessed in the context of healthy population screening.

NM_147127.5(EVC2):c.1087C>T (p.Gln363Ter)

Gene: EVC2 (EvC ciliary complex subunit 2; minus strand). Cytogenetic location: 4p16.2.
Variant type: single nucleotide variant.
Coding change: c.1087C>T on transcript NM_147127.5 (MANE Select); coding-DNA position 1087, C replaced by T.
Protein change: p.Gln363Ter; replaces glutamine 363 with a stop codon.
Molecular consequence: nonsense.
Genome position (GRCh38, 1-based): chr4:5,663,165, G>A on the plus strand (C>T on the coding strand, the complement: EVC2 is on the minus strand). VCF-style: chr4-5663165-G-A. GRCh37 (hg19) VCF-style: chr4-5664892-G-A.
Other names: c.847C>T, p.Gln283Ter (NM_001166136.2); short protein forms Q283*, Q363*.
Identifiers: ClinVar variation 5012998 (VCV005012998.1).